The following is an entry in ClinVar:

ClinVar aggregate classification (germline): Uncertain significance (1 of 4 stars; one submission).

Allele frequency attached by ClinVar (database versions not stated): gnomAD exomes below 0.00001.
gnomAD v4.1: 2 of 1,614,112 alleles (0.00012%); highest among the groups gnomAD compares: Admixed American, 0.0033%; no homozygotes.

Submission:

Labcorp Genetics (formerly Invitae), Labcorp
Classification: Uncertain significance. Last evaluated: 2022-06-21. Review status: criteria provided, single submitter. Criteria: Invitae Variant Classification Sherloc (09022015). Collection method: clinical testing. Allele origin: germline.
Comment: In summary, the available evidence is currently insufficient to determine the role of this variant in disease. Therefore, it has been classified as a Variant of Uncertain Significance. Algorithms developed to predict the effect of missense changes on protein structure and function are either unavailable or do not agree on the potential impact of this missense change (SIFT: "Deleterious"; PolyPhen-2: "Benign"; Align-GVGD: "Class C0"). This variant has not been reported in the literature in individuals affected with DDR2-related conditions. This variant is not present in population databases (gnomAD no frequency). This sequence change replaces asparagine, which is neutral and polar, with lysine, which is basic and polar, at codon 457 of the DDR2 protein (p.Asn457Lys).

NM_006182.4(DDR2):c.1371C>A (p.Asn457Lys)

Gene: DDR2 (discoidin domain receptor tyrosine kinase 2; plus strand). Cytogenetic location: 1q23.3.
Variant type: single nucleotide variant.
Coding change: c.1371C>A on transcript NM_006182.4 (MANE Select); coding-DNA position 1371, C replaced by A.
Protein change: p.Asn457Lys; replaces asparagine 457 with lysine.
Molecular consequence: missense variant.
Genome position (GRCh38, 1-based): chr1:162,770,379, C>A. VCF-style: chr1-162770379-C-A. GRCh37 (hg19) VCF-style: chr1-162740169-C-A.
Other names: c.1371C>A, p.Asn457Lys (NM_001014796.3, NM_001354982.2, NM_001354983.2); short protein forms N457K.
Identifiers: ClinVar variation 1944606 (VCV001944606.5), dbSNP rs2524974635, ClinGen allele CA343411042.